The following is an entry in ClinVar:

NM_004928.3(CFAP410):c.713C>G (p.Thr238Ser)

Gene: CFAP410 (cilia and flagella associated protein 410; minus strand). Cytogenetic location: 21q22.3.
Variant type: single nucleotide variant.
Coding change: c.713C>G on transcript NM_004928.3 (MANE Select); coding-DNA position 713, C replaced by G.
Protein change: p.Thr238Ser; replaces threonine 238 with serine.
Molecular consequence: missense variant.
Genome position (GRCh38, 1-based): chr21:44,330,256, G>C on the plus strand (C>G on the coding strand, the complement: CFAP410 is on the minus strand). VCF-style: chr21-44330256-G-C. GRCh37 (hg19) VCF-style: chr21-45750139-G-C.
Other names: c.710C>G, p.Thr237Ser (NM_001271440.2); c.1070C>G, p.Thr357Ser (NM_001271441.2); c.587C>G, p.Thr196Ser (NM_001271442.1); short protein forms T196S, T237S, T238S, T357S.
Identifiers: ClinVar variation 1025342 (VCV001025342.8), dbSNP rs930153682, ClinGen allele CA321782207.

ClinVar aggregate classification (germline): Uncertain significance (1 of 4 stars; one submission).

Allele frequency attached by ClinVar (database versions not stated): TOPMed 0.00003.
gnomAD v4.1: 2 of 1,601,308 alleles (0.00012%); highest among the groups gnomAD compares: Non-Finnish European, 0.00017%; no homozygotes.

Submission:

Labcorp Genetics (formerly Invitae), Labcorp
Classification: Uncertain significance. Last evaluated: 2022-05-26. Review status: criteria provided, single submitter. Criteria: Invitae Variant Classification Sherloc (09022015). Collection method: clinical testing. Allele origin: germline.
Comment: ClinVar contains an entry for this variant (Variation ID: 1025342). In summary, the available evidence is currently insufficient to determine the role of this variant in disease. Therefore, it has been classified as a Variant of Uncertain Significance. Algorithms developed to predict the effect of missense changes on protein structure and function (SIFT, PolyPhen-2, Align-GVGD) all suggest that this variant is likely to be tolerated. This variant has not been reported in the literature in individuals affected with CFAP410-related conditions. This variant is not present in population databases (gnomAD no frequency). This sequence change replaces threonine, which is neutral and polar, with serine, which is neutral and polar, at codon 238 of the CFAP410 protein (p.Thr238Ser).